The following is an entry in ClinVar:

ClinVar aggregate classification (germline): Uncertain significance (1 of 4 stars; one submission).

Conditions:
Cardiovascular phenotype. Identifiers: MedGen CN230736.

Submission:

Ambry Genetics
Classification: Uncertain significance for Cardiovascular phenotype. Last evaluated: 2026-09-11. Review status: criteria provided, single submitter. Criteria: Ambry Variant Classification Scheme 2023. Collection method: clinical testing. Allele origin: germline.
Comment: The p.A111D variant (also known as c.332C>A), located in coding exon 4 of the APOB gene, results from a C to A substitution at nucleotide position 332. The alanine at codon 111 is replaced by aspartic acid, an amino acid with dissimilar properties. This amino acid position is conserved. In addition, this alteration is predicted to be tolerated by in silico analysis. Based on the available evidence, the clinical significance of this variant remains unclear.

NM_000384.3(APOB):c.332C>A (p.Ala111Asp)

Gene: APOB (apolipoprotein B; minus strand). Cytogenetic location: 2p24.1.
Variant type: single nucleotide variant.
Coding change: c.332C>A on transcript NM_000384.3 (MANE Select); coding-DNA position 332, C replaced by A.
Protein change: p.Ala111Asp; replaces alanine 111 with aspartic acid.
Molecular consequence: missense variant.
Genome position (GRCh38, 1-based): chr2:21,040,989, G>T on the plus strand (C>A on the coding strand, the complement: APOB is on the minus strand). VCF-style: chr2-21040989-G-T. GRCh37 (hg19) VCF-style: chr2-21263861-G-T.
Other names: short protein forms A111D.
Identifiers: ClinVar variation 4613714 (VCV004613714.2).